The following is an entry in ClinVar:

NM_001080466.2(BTBD17):c.789A>T (p.Ala263=)

Gene: BTBD17 (BTB domain containing 17; minus strand). Cytogenetic location: 17q25.1.
Variant type: single nucleotide variant.
Coding change: c.789A>T on transcript NM_001080466.2 (MANE Select); coding-DNA position 789, A replaced by T.
Protein change: p.Ala263=; no amino-acid change (alanine 263 retained).
Molecular consequence: synonymous variant.
Genome position (GRCh38, 1-based): chr17:74,357,305, T>A on the plus strand (A>T on the coding strand, the complement: BTBD17 is on the minus strand). VCF-style: chr17-74357305-T-A. GRCh37 (hg19) VCF-style: chr17-72353444-T-A.
Identifiers: ClinVar variation 4873767 (VCV004873767.2).

ClinVar aggregate classification (germline): Likely benign (1 of 4 stars; one submission).

Submission:

CeGaT Center for Human Genetics Tuebingen
Classification: Likely benign. Last evaluated: 2026-05-01. Review status: criteria provided, single submitter. Criteria: CeGaT Center For Human Genetics Tuebingen Variant Classification Criteria Version 2. Collection method: clinical testing. Allele origin: germline. Affected: yes. Observed: 1 variant allele.
Comment: BTBD17: PM2:Supporting, BP4, BP7